The following is an entry in ClinVar:

ClinVar aggregate classification (germline): Uncertain significance (1 of 4 stars; one submission).

gnomAD v4.1: 7 of 1,613,340 alleles (0.00043%); highest among the groups gnomAD compares: African/African-American, 0.0053%; no homozygotes.

Submission:

Ambry Genetics
Classification: Uncertain significance. Last evaluated: 2024-12-06. Review status: criteria provided, single submitter. Criteria: Ambry Variant Classification Scheme 2023. Collection method: clinical testing. Allele origin: germline.
Comment: The p.G428S variant (also known as c.1282G>A), located in coding exon 8 of the ATRIP gene, results from a G to A substitution at nucleotide position 1282. The glycine at codon 428 is replaced by serine, an amino acid with similar properties. This amino acid position is conserved. In addition, this alteration is predicted to be tolerated by in silico analysis. Based on the available evidence, the clinical significance of this variant remains unclear.

NM_130384.3(ATRIP):c.1282G>A (p.Gly428Ser)

Genes: ATRIP (ATR interacting protein; plus strand), ATRIP-TREX1 (ATRIP-TREX1 readthrough; plus strand). Cytogenetic location: 3p21.31.
Variant type: single nucleotide variant.
Coding change: c.1282G>A on transcript NM_130384.3 (MANE Select); coding-DNA position 1282, G replaced by A.
Protein change: p.Gly428Ser; replaces glycine 428 with serine.
Molecular consequence: missense variant. On other transcripts: non-coding transcript variant (1).
Genome position (GRCh38, 1-based): chr3:48,460,336, G>A. VCF-style: chr3-48460336-G-A. GRCh37 (hg19) VCF-style: chr3-48501735-G-A.
Other names: c.901G>A, p.Gly301Ser (NM_001271022.2); c.1003G>A, p.Gly335Ser (NM_001271023.2); c.1282G>A, p.Gly428Ser (NM_032166.4); short protein forms G335S, G301S, G428S.
Identifiers: ClinVar variation 3465034 (VCV003465034.1).